The following is an entry in ClinVar:

NM_177438.3(DICER1):c.2029G>C (p.Ala677Pro)

Gene: DICER1 (dicer 1, ribonuclease III; minus strand). Cytogenetic location: 14q32.13.
Variant type: single nucleotide variant.
Coding change: c.2029G>C on transcript NM_177438.3 (MANE Select); coding-DNA position 2029, G replaced by C.
Protein change: p.Ala677Pro; replaces alanine 677 with proline.
Molecular consequence: missense variant. On other transcripts: non-coding transcript variant (6).
Genome position (GRCh38, 1-based): chr14:95,113,103, C>G on the plus strand (G>C on the coding strand, the complement: DICER1 is on the minus strand). VCF-style: chr14-95113103-C-G. GRCh37 (hg19) VCF-style: chr14-95579440-C-G.
Other names: c.2029G>C, p.Ala677Pro (NM_001195573.1, NM_001271282.3, NM_001291628.2 and 12 more transcripts); c.1747G>C, p.Ala583Pro (NM_001395686.1); c.1624G>C, p.Ala542Pro (NM_001395687.1, NM_001395688.1, NM_001395689.1 and 3 more transcripts); c.1462G>C, p.Ala488Pro (NM_001395691.1); c.346G>C, p.Ala116Pro (NM_001395697.1); short protein forms A488P, A542P, A583P, A116P, A677P.
Identifiers: ClinVar variation 4011645 (VCV004011645.1).

ClinVar aggregate classification (germline): Uncertain significance (1 of 4 stars; one submission).

Conditions:
Hereditary cancer-predisposing syndrome. Also called: Tumor predisposition; Hereditary neoplastic syndrome; Neoplastic Syndromes, Hereditary; Hereditary Cancer Syndrome. Identifiers: Orphanet 140162, MedGen C0027672, MeSH D009386, MONDO:0015356.

Submission:

Ambry Genetics
Classification: Uncertain significance for Hereditary cancer-predisposing syndrome. Last evaluated: 2025-04-19. Review status: criteria provided, single submitter. Criteria: Ambry Variant Classification Scheme 2023. Collection method: clinical testing. Allele origin: germline.
Comment: The p.A677P variant (also known as c.2029G>C), located in coding exon 11 of the DICER1 gene, results from a G to C substitution at nucleotide position 2029. The alanine at codon 677 is replaced by proline, an amino acid with highly similar properties. This amino acid position is conserved. In addition, this alteration is predicted to be tolerated by in silico analysis. Based on the available evidence, the clinical significance of this variant remains unclear.